The following is an entry in ClinVar:

ClinVar aggregate classification (germline): Uncertain significance (1 of 4 stars; one submission).

Allele frequency attached by ClinVar (database versions not stated): gnomAD exomes below 0.00001; ExAC 0.00001.
gnomAD v4.1: 4 of 1,614,142 alleles (0.00025%); highest among the groups gnomAD compares: Admixed American, 0.0067%; no homozygotes.

Submission:

Labcorp Genetics (formerly Invitae), Labcorp
Classification: Uncertain significance. Last evaluated: 2023-07-21. Review status: criteria provided, single submitter. Criteria: Invitae Variant Classification Sherloc (09022015). Collection method: clinical testing. Allele origin: germline.
Comment: This sequence change replaces glycine, which is neutral and non-polar, with glutamic acid, which is acidic and polar, at codon 5050 of the HMCN1 protein (p.Gly5050Glu). This variant is present in population databases (rs764321274, gnomAD 0.009%). In summary, the available evidence is currently insufficient to determine the role of this variant in disease. Therefore, it has been classified as a Variant of Uncertain Significance. An algorithm developed to predict the effect of missense changes on protein structure and function (PolyPhen-2) suggests that this variant is likely to be disruptive. This variant has not been reported in the literature in individuals affected with HMCN1-related conditions.

NM_031935.3(HMCN1):c.15149G>A (p.Gly5050Glu)

Gene: HMCN1 (hemicentin 1; plus strand). Cytogenetic location: 1q31.1.
Variant type: single nucleotide variant.
Coding change: c.15149G>A on transcript NM_031935.3 (MANE Select); coding-DNA position 15149, G replaced by A.
Protein change: p.Gly5050Glu; replaces glycine 5050 with glutamic acid.
Molecular consequence: missense variant.
Genome position (GRCh38, 1-based): chr1:186,153,880, G>A. VCF-style: chr1-186153880-G-A. GRCh37 (hg19) VCF-style: chr1-186123012-G-A.
Other names: short protein forms G5050E.
Identifiers: ClinVar variation 2977604 (VCV002977604.3), dbSNP rs764321274, ClinGen allele CA1295164.